The following is an entry in ClinVar:

NM_000384.3(APOB):c.2887T>C (p.Trp963Arg)

Gene: APOB (apolipoprotein B; minus strand). Cytogenetic location: 2p24.1.
Variant type: single nucleotide variant.
Coding change: c.2887T>C on transcript NM_000384.3 (MANE Select); coding-DNA position 2887, T replaced by C.
Protein change: p.Trp963Arg; replaces tryptophan 963 with arginine.
Molecular consequence: missense variant.
Genome position (GRCh38, 1-based): chr2:21,019,835, A>G on the plus strand (T>C on the coding strand, the complement: APOB is on the minus strand). VCF-style: chr2-21019835-A-G. GRCh37 (hg19) VCF-style: chr2-21242707-A-G.
Other names: short protein forms W963R.
Identifiers: ClinVar variation 1797237 (VCV001797237.7), dbSNP rs1435043458, ClinGen allele CA346010311.

ClinVar aggregate classification (germline): Uncertain significance. Review status: criteria provided, multiple submitters, no conflicts (2 of 4 stars). 2 submissions from 2 submitters: Uncertain significance (2). Last evaluated 2022-03-21.

Conditions:
Cardiovascular phenotype. Identifiers: MedGen CN230736.
Familial hypobetalipoproteinemia 1. Also called: Hypobetalipoproteinemia, normotriglyceridemic; Acanthocytosis with hypobetalipoproteinemia; APOB-Related Familial Hypobetalipoproteinemia. Identifiers: MedGen C4551990, MONDO:0014252, OMIM 615558.
Hypercholesterolemia, autosomal dominant, type B (FHCL2). Also called: Familial Hypercholesterolemia Type B; APOLIPOPROTEIN B-100, FAMILIAL DEFECTIVE; APOLIPOPROTEIN B-100, FAMILIAL LIGAND-DEFECTIVE; HYPERCHOLESTEROLEMIA, FAMILIAL, DUE TO LIGAND-DEFECTIVE APOLIPOPROTEIN B; Familial hypercholesterolemia 2; APOB-Related Familial Hypercholesterolemia, Autosomal Dominant. Identifiers: MedGen C1704417, MONDO:0007751, OMIM 144010.

Allele frequency attached by ClinVar (database versions not stated): gnomAD exomes below 0.00001; gnomAD 0.00001; TOPMed 0.00001.
gnomAD v4.1: 3 of 1,614,092 alleles (0.00019%); highest among the groups gnomAD compares: Non-Finnish European, 0.00025%; no homozygotes.

Submissions (2):

Labcorp Genetics (formerly Invitae), Labcorp
Classification: Uncertain significance for Familial hypobetalipoproteinemia 1; Hypercholesterolemia, autosomal dominant, type B. Last evaluated: 2022-03-21. Review status: criteria provided, single submitter. Criteria: Invitae Variant Classification Sherloc (09022015). Collection method: clinical testing. Allele origin: germline.
Comment: This sequence change replaces tryptophan, which is neutral and slightly polar, with arginine, which is basic and polar, at codon 963 of the APOB protein (p.Trp963Arg). This variant is not present in population databases (gnomAD no frequency). This variant has not been reported in the literature in individuals affected with APOB-related conditions. Algorithms developed to predict the effect of missense changes on protein structure and function are either unavailable or do not agree on the potential impact of this missense change (SIFT: "Tolerated"; PolyPhen-2: "Possibly Damaging"; Align-GVGD: "Class C0"). In summary, the available evidence is currently insufficient to determine the role of this variant in disease. Therefore, it has been classified as a Variant of Uncertain Significance.

Ambry Genetics
Classification: Uncertain significance for Cardiovascular phenotype. Last evaluated: 2019-02-16. Review status: criteria provided, single submitter. Criteria: Ambry Variant Classification Scheme 2023. Collection method: clinical testing. Allele origin: germline.
Comment: The p.W963R variant (also known as c.2887T>C), located in coding exon 19 of the APOB gene, results from a T to C substitution at nucleotide position 2887. The tryptophan at codon 963 is replaced by arginine, an amino acid with dissimilar properties. This amino acid position is not well conserved in available vertebrate species. In addition, this alteration is predicted to be tolerated by in silico analysis. Since supporting evidence is limited at this time, the clinical significance of this alteration remains unclear.